The following is an entry in ClinVar:

NM_000271.5(NPC1):c.57+1G>A

Gene: NPC1 (NPC intracellular cholesterol transporter 1; minus strand). Cytogenetic location: 18q11.2.
Variant type: single nucleotide variant.
Coding change: c.57+1G>A on transcript NM_000271.5 (MANE Select); the canonical splice donor site of the intron after coding-DNA position 57, G replaced by A.
Molecular consequence: splice donor variant.
Genome position (GRCh38, 1-based): chr18:23,586,286, C>T on the plus strand (G>A on the coding strand, the complement: NPC1 is on the minus strand). VCF-style: chr18-23586286-C-T. GRCh37 (hg19) VCF-style: chr18-21166250-C-T.
Identifiers: ClinVar variation 4818073 (VCV004818073.1).
Genomic context (GRCh38, chr18:23,586,286, plus strand): 5'-TCCCCGGCTCTCGGCCCCGCCACGTCCCCACAGGGCGTCCCGGTGGCCGGCGACCGCTCA[C>T]CTGCGCTGGACACAGTAGCAGCAGGAGGAGGCCAAGGGCCAGGCCGCGAGCGGTCATGCT-3'

ClinVar aggregate classification (germline): Likely pathogenic (1 of 4 stars; one submission).

Conditions:
Niemann-Pick disease, type C1. Also called: NIEMANN-PICK DISEASE, VARIANT TYPE C1; NEUROVISCERAL STORAGE DISEASE WITH VERTICAL SUPRANUCLEAR OPHTHALMOPLEGIA; NIEMANN-PICK DISEASE WITH CHOLESTEROL ESTERIFICATION BLOCK; NIEMANN-PICK DISEASE WITHOUT SPHINGOMYELINASE DEFICIENCY; NIEMANN-PICK DISEASE, CHRONIC NEURONOPATHIC FORM. Identifiers: Orphanet 646, MedGen C3179455, MONDO:0009757, OMIM 257220.

Submission:

Natera, Inc.
Classification: Likely pathogenic for Niemann-Pick disease type C1. Last evaluated: 2024-10-21. Review status: criteria provided, single submitter. Criteria: Natera Variant Classification Schema (03/2026). Collection method: clinical testing. Allele origin: germline.
Comment: The c.57+1G>A variant in NPC1 is a canonical splice donor site variant predicted to affect pre-mRNA splicing, which may result in an abnormal transcript and altered protein product. This variant is expected to result in nonsense mediated decay, truncation, or a dysfunctional protein product. This variant is rare in the general population with a frequency below the threshold expected for the associated phenotype(s). Given the available evidence, this variant is classified as Likely Pathogenic.